The following is an entry in ClinVar:

NM_001163809.2(WDR81):c.5043C>T (p.Gly1681=)

Gene: WDR81 (WD repeat domain 81; plus strand). Cytogenetic location: 17p13.3.
Variant type: single nucleotide variant.
Coding change: c.5043C>T on transcript NM_001163809.2 (MANE Select); coding-DNA position 5043, C replaced by T.
Protein change: p.Gly1681=; no amino-acid change (glycine 1681 retained).
Molecular consequence: synonymous variant.
Genome position (GRCh38, 1-based): chr17:1,734,080, C>T. VCF-style: chr17-1734080-C-T. GRCh37 (hg19) VCF-style: chr17-1637374-C-T.
Other names: c.1434C>T, p.Gly478= (NM_001163673.2); c.1362C>T, p.Gly454= (NM_001163811.2); c.1890C>T, p.Gly630= (NM_152348.4).
Identifiers: ClinVar variation 2647204 (VCV002647204.24), dbSNP rs762821713, ClinGen allele CA8273741.

ClinVar aggregate classification (germline): Likely benign (1 of 4 stars; one submission).

Allele frequency attached by ClinVar (database versions not stated): ExAC 0.00003; gnomAD 0.00005; TOPMed 0.00005.
gnomAD v4.1: 55 of 1,603,876 alleles (0.0034%); highest among the groups gnomAD compares: African/African-American, 0.013%; no homozygotes.

Submission:

CeGaT Center for Human Genetics Tuebingen
Classification: Likely benign. Last evaluated: 2023-05-01. Review status: criteria provided, single submitter. Criteria: CeGaT Center For Human Genetics Tuebingen Variant Classification Criteria Version 2. Collection method: clinical testing. Allele origin: germline. Affected: yes. Observed: 1 variant allele.
Comment: WDR81: BP4, BP7